The following is an entry in ClinVar:

NM_021008.4(DEAF1):c.57_86dup (p.Ala33_Gly34insAlaValAlaAlaAlaAlaAlaAlaAlaAla)

Gene: DEAF1 (DEAF1 transcription factor; minus strand). Cytogenetic location: 11p15.5.
Variant type: Duplication.
Coding change: c.57_86dup on transcript NM_021008.4 (MANE Select); coding-DNA positions 57 to 86, 30 bases duplicated (GGCGGCCGCGGCCGCTGTGGCGGCGGCGGC).
Protein change: p.Ala33_Gly34insAlaValAlaAlaAlaAlaAlaAlaAlaAla.
Molecular consequence: inframe insertion. On other transcripts: inframe indel (1), intron variant (1).
Genome position (GRCh38, 1-based): chr11:694,962-694,991, GCCGCCGCCGCCACAGCGGCCGCGGCCGCC duplicated on the plus strand (GGCGGCCGCGGCCGCTGTGGCGGCGGCGGC on the coding strand, the reverse complement: DEAF1 is on the minus strand). VCF-style (leftmost placement, unchanged base first): chr11-694961-G-GGCCGCCGCCGCCACAGCGGCCGCGGCCGCC. GRCh37 (hg19) VCF-style: chr11-694961-G-GGCCGCCGCCGCCACAGCGGCCGCGGCCGCC.
Other names: c.57_86dup, p.Ala33_Gly34insAlaValAlaAlaAlaAlaAlaAlaAlaAla (NM_001293634.2); c.-437-3393_-437-3364dup (NM_001367390.1).
Identifiers: ClinVar variation 3632960 (VCV003632960.2).

ClinVar aggregate classification (germline): Uncertain significance (1 of 4 stars; one submission).

Submission:

Labcorp Genetics (formerly Invitae), Labcorp
Classification: Uncertain significance. Last evaluated: 2024-01-30. Review status: criteria provided, single submitter. Criteria: Invitae Variant Classification Sherloc (09022015). Collection method: clinical testing. Allele origin: germline.
Comment: This variant, c.57_86dup, results in the insertion of 10 amino acid(s) of the DEAF1 protein (p.Ala24_Ala33dup), but otherwise preserves the integrity of the reading frame. This variant is not present in population databases (gnomAD no frequency). This variant has not been reported in the literature in individuals affected with DEAF1-related conditions. In summary, the available evidence is currently insufficient to determine the role of this variant in disease. Therefore, it has been classified as a Variant of Uncertain Significance.